The following is an entry in ClinVar:

NM_001378964.1(CDON):c.*1933A>G

Gene: CDON (cell adhesion associated, oncogene regulated; minus strand). Cytogenetic location: 11q24.2.
Variant type: single nucleotide variant.
Coding change: c.*1933A>G on transcript NM_001378964.1 (MANE Select); 1933 bases downstream of the stop codon, A replaced by G.
Molecular consequence: 3 prime UTR variant.
Genome position (GRCh38, 1-based): chr11:125,959,009, T>C on the plus strand (A>G on the coding strand, the complement: CDON is on the minus strand). VCF-style: chr11-125959009-T-C. GRCh37 (hg19) VCF-style: chr11-125828904-T-C.
Other names: NC_000011.9:g.125828904T>C; c.*1933A>G (NM_001243597.3, NM_016952.6).
Identifiers: ClinVar variation 303450 (VCV000303450.7), dbSNP rs2509616, ClinGen allele CA10637790.

ClinVar aggregate classification (germline): Benign. Review status: criteria provided, multiple submitters, no conflicts (2 of 4 stars). 2 submissions from 2 submitters: Benign (2). Last evaluated 2018-01-13.

Conditions:
Holoprosencephaly 11 (HPE11). Identifiers: Orphanet 2162, MedGen C3280215, MONDO:0013642, OMIM 614226.

Allele frequency attached by ClinVar (database versions not stated): TOPMed 0.49341; 1000 Genomes Project 0.49501; 1000 Genomes Project 30x 0.49953.

Submissions (3):

Illumina Laboratory Services, Illumina
Classification: Benign for Holoprosencephaly 11. Last evaluated: 2018-01-13. Review status: criteria provided, single submitter. Criteria: ICSL Variant Classification Criteria 13 December 2019. Collection method: clinical testing. Allele origin: germline.
Comment: This variant was observed in the ICSL laboratory as part of a predisposition screen in an ostensibly healthy population. It had not been previously curated by ICSL or reported in the Human Gene Mutation Database (HGMD: prior to June 1st, 2018), and was therefore a candidate for classification through an automated scoring system. Utilizing variant allele frequency, disease prevalence and penetrance estimates, and inheritance mode, an automated score was calculated to assess if this variant is too frequent to cause the disease. Based on the score and internal cut-off values, a variant classified as benign is not then subjected to further curation. The score for this variant resulted in a classification of benign for this disease.

Breakthrough Genomics
Classification: Benign. Review status: criteria provided, single submitter. Criteria: ACMG Guidelines, 2015. Collection method: not provided. Allele origin: germline. Inheritance: Autosomal dominant inheritance. Affected: yes.

Dr. Peter K. Rogan Lab, Western University
No classification provided (evidence only). Condition: Lung cancer. Review status: no classification provided. Collection method: in vitro. Allele origin: not applicable. Functional consequence: retained intron. Not counted in ClinVar's aggregate classification.